The following is an entry in ClinVar:

NM_080680.3(COL11A2):c.2206G>C (p.Gly736Arg)

Gene: COL11A2 (collagen type XI alpha 2 chain; minus strand). Cytogenetic location: 6p21.32.
Variant type: single nucleotide variant.
Coding change: c.2206G>C on transcript NM_080680.3 (MANE Select); coding-DNA position 2206, G replaced by C.
Protein change: p.Gly736Arg; replaces glycine 736 with arginine.
Molecular consequence: missense variant.
Genome position (GRCh38, 1-based): chr6:33,176,267, C>G on the plus strand (G>C on the coding strand, the complement: COL11A2 is on the minus strand). VCF-style: chr6-33176267-C-G. GRCh37 (hg19) VCF-style: chr6-33144044-C-G.
Other names: c.1885G>C, p.Gly629Arg (NM_080679.3); c.1948G>C, p.Gly650Arg (NM_080681.3); short protein forms G629R, G650R, G736R.
Identifiers: ClinVar variation 1315458 (VCV001315458.10), dbSNP rs1284405190, ClinGen allele CA363649104.

ClinVar aggregate classification (germline): Uncertain significance. Review status: criteria provided, multiple submitters, no conflicts (2 of 4 stars). 3 submissions from 3 submitters: Uncertain significance (3). Last evaluated 2025-11-08.

Submissions (3):

GeneDx
Classification: Uncertain significance. Last evaluated: 2025-11-08. Review status: criteria provided, single submitter. Criteria: GeneDx Variant Classification Process June 2021. Collection method: clinical testing. Allele origin: germline. Affected: yes.
Comment: Not observed at significant frequency in large population cohorts (gnomAD); In silico analysis supports that this missense variant has a deleterious effect on protein structure/function; Has not been previously published as pathogenic or benign to our knowledge

Women's Health and Genetics/Laboratory Corporation of America, LabCorp
Classification: Uncertain significance. Last evaluated: 2024-04-12. Review status: criteria provided, single submitter. Criteria: LabCorp Variant Classification Summary - May 2015. Collection method: clinical testing. Allele origin: germline.
Comment: Variant summary: COL11A2 c.2206G>C (p.Gly736Arg) results in a non-conservative amino acid change in the encoded protein sequence. Five of five in-silico tools predict a damaging effect of the variant on protein function. The variant was absent in 236908 control chromosomes. The available data on variant occurrences in the general population are insufficient to allow any conclusion about variant significance. To our knowledge, no occurrence of c.2206G>C in individuals affected with COL11A2-Related Disorders and no experimental evidence demonstrating its impact on protein function have been reported. ClinVar contains an entry for this variant (Variation ID: 1315458). Based on the evidence outlined above, the variant was classified as uncertain significance.

Labcorp Genetics (formerly Invitae), Labcorp
Classification: Uncertain significance. Last evaluated: 2024-02-24. Review status: criteria provided, single submitter. Criteria: Invitae Variant Classification Sherloc (09022015). Collection method: clinical testing. Allele origin: germline.
Comment: This sequence change replaces glycine, which is neutral and non-polar, with arginine, which is basic and polar, at codon 736 of the COL11A2 protein (p.Gly736Arg). This variant is not present in population databases (gnomAD no frequency). This variant has not been reported in the literature in individuals affected with COL11A2-related conditions. ClinVar contains an entry for this variant (Variation ID: 1315458). Advanced modeling of protein sequence and biophysical properties (such as structural, functional, and spatial information, amino acid conservation, physicochemical variation, residue mobility, and thermodynamic stability) performed at Invitae indicates that this missense variant is expected to disrupt COL11A2 protein function with a positive predictive value of 95%. In summary, the available evidence is currently insufficient to determine the role of this variant in disease. Therefore, it has been classified as a Variant of Uncertain Significance.